The following is an entry in ClinVar:

NM_003336.4(UBE2A):c.243C>A (p.Val81=)

Gene: UBE2A (ubiquitin conjugating enzyme E2 A; plus strand). Cytogenetic location: Xq24.
Variant type: single nucleotide variant.
Coding change: c.243C>A on transcript NM_003336.4 (MANE Select); coding-DNA position 243, C replaced by A.
Protein change: p.Val81=; no amino-acid change (valine 81 retained).
Molecular consequence: synonymous variant.
Genome position (GRCh38, 1-based): chrX:119,582,589, C>A. VCF-style: chrX-119582589-C-A. GRCh37 (hg19) VCF-style: chrX-118716552-C-A.
Other names: c.144C>A, p.Val48= (NM_001282161.2); c.153C>A, p.Val51= (NM_181762.3).
Identifiers: ClinVar variation 3048481 (VCV003048481.2), dbSNP rs764875570, ClinGen allele CA10502372.

ClinVar aggregate classification (germline): Likely benign (0 of 4 stars; one submission).

Conditions:
UBE2A-related disorder. Also called: UBE2A-related condition.

Allele frequency attached by ClinVar (database versions not stated): TOPMed 0.00001; gnomAD 0.00006; gnomAD exomes 0.00006; ExAC 0.00023; 1000 Genomes Project 30x 0.00083; 1000 Genomes Project 0.00106.

Submission:

PreventionGenetics, part of Exact Sciences
Classification: Likely benign for UBE2A-related condition. Last evaluated: 2019-11-16. Review status: no assertion criteria provided. Collection method: clinical testing. Allele origin: germline.
Comment: This variant is classified as likely benign based on ACMG/AMP sequence variant interpretation guidelines (Richards et al. 2015 PMID: 25741868, with internal and published modifications).